The following is an entry in ClinVar:

ClinVar aggregate classification (germline): Pathogenic (1 of 4 stars; one submission).

Conditions:
Intellectual disability, autosomal recessive 53 (NEDHSCA). Also called: GLYCOSYLPHOSPHATIDYLINOSITOL BIOSYNTHESIS DEFECT 13; Mental retardation, autosomal recessive 53; NEURODEVELOPMENTAL DISORDER WITH OR WITHOUT HYPOTONIA, SEIZURES, AND CEREBELLAR ATROPHY. Identifiers: Orphanet 488635, MedGen C4310794, MONDO:0014832, OMIM 616917.

Submission:

Labcorp Genetics (formerly Invitae), Labcorp
Classification: Pathogenic for Intellectual disability, autosomal recessive 53. Last evaluated: 2023-08-17. Review status: criteria provided, single submitter. Criteria: Invitae Variant Classification Sherloc (09022015). Collection method: clinical testing. Allele origin: germline.
Comment: This variant has not been reported in the literature in individuals affected with PIGG-related conditions. For these reasons, this variant has been classified as Pathogenic. This variant is a gross deletion of the genomic region encompassing exon(s) 5-6 of the PIGG gene. This deletion is out-of-frame, and is expected to create a premature termination codon and result in an absent or disrupted protein product. Loss-of-function variants in PIGG are known to be pathogenic (PMID: 26996948, 28581210, 28771251).

Literature cited by the submitters: PubMed 26996948; PubMed 28581210; PubMed 28771251.

NC_000004.11:g.(?_502598)_(509994_?)del

Gene: PIGG (phosphatidylinositol glycan anchor biosynthesis class G (EMM blood group); plus strand). Cytogenetic location: 4p16.3.
Variant type: Deletion.
Identifiers: ClinVar variation 1407970 (VCV001407970.9).